The following is an entry in ClinVar:

NM_002861.5(PCYT2):c.1009G>A (p.Gly337Ser)

Gene: PCYT2 (phosphate cytidylyltransferase 2, ethanolamine; minus strand). Cytogenetic location: 17q25.3.
Variant type: single nucleotide variant.
Coding change: c.1009G>A on transcript NM_002861.5 (MANE Select); coding-DNA position 1009, G replaced by A.
Protein change: p.Gly337Ser; replaces glycine 337 with serine.
Molecular consequence: missense variant.
Genome position (GRCh38, 1-based): chr17:81,905,115, C>T on the plus strand (G>A on the coding strand, the complement: PCYT2 is on the minus strand). VCF-style: chr17-81905115-C-T. GRCh37 (hg19) VCF-style: chr17-79862991-C-T.
Other names: c.1063G>A, p.Gly355Ser (NM_001184917.3); c.847G>A, p.Gly283Ser (NM_001256433.3); c.886G>A, p.Gly296Ser (NM_001256434.3); c.775G>A, p.Gly259Ser (NM_001256435.3, NM_001282203.2); c.913G>A, p.Gly305Ser (NM_001282204.2); c.943G>A, p.Gly315Ser (NM_001330518.2); c.1063G>A (NM_001184917.1); c.775G>A (NM_001256435.2); short protein forms G259S, G283S, G296S, G305S, G315S, G337S, G355S.
Identifiers: ClinVar variation 1329483 (VCV001329483.11), dbSNP rs578101513, ClinGen allele CA8844086.

ClinVar aggregate classification (germline): Uncertain significance. Review status: criteria provided, multiple submitters, no conflicts (2 of 4 stars). 3 submissions from 3 submitters: Uncertain significance (3). Last evaluated 2025-11-11.

Conditions:
Spastic paraplegia 82, autosomal recessive (SPG82). Identifiers: Orphanet 631073, MedGen C5394037, MONDO:0032906, OMIM 618770.
Inborn genetic diseases. Identifiers: MedGen C0950123, MeSH D030342.

Allele frequency attached by ClinVar (database versions not stated): gnomAD 0.00001; 1000 Genomes Project 0.00040; gnomAD exomes 0.00008 and 0.00004; ExAC 0.00011; TOPMed below 0.00001; 1000 Genomes Project 30x 0.00031.
gnomAD v4.1: 68 of 1,613,424 alleles (0.0042%); highest among the groups gnomAD compares: South Asian, 0.07%; 1 homozygote.

Submissions (3):

GeneDx
Classification: Uncertain significance. Last evaluated: 2025-11-11. Review status: criteria provided, single submitter. Criteria: GeneDx Variant Classification Process June 2021. Collection method: clinical testing. Allele origin: germline. Affected: yes.
Comment: In silico analysis supports that this missense variant has a deleterious effect on protein structure/function; Has not been previously published as pathogenic or benign to our knowledge

Diagnostics Services (NGS), CSIR - Centre For Cellular And Molecular Biology
Classification: Uncertain significance for Spastic paraplegia 82, autosomal recessive. Last evaluated: 2021-10-18. Review status: criteria provided, single submitter. Criteria: ACMG Guidelines, 2015. Collection method: clinical testing. Allele origin: unknown. Inheritance: Autosomal recessive inheritance. Affected: yes. Observed: 1 variant allele, 1 heterozygote.
Comment: The c.1009G>A variant is present in publicly available population databases like Exome Variant Server (EVS). The heterozygous state of the variant is present in 1000 Genomes, Exome Aggregation Consortium (ExAC), Genome Aggregation Database (gnomAD) and dbSNP at very low frequency. The variant is not present in Indian Exome Database and in our in-house exome database. The variant was not earlier reported to ClinVar, Human Genome Mutation Database (HGMD) and OMIM databases in any affected individuals. Predictions from different in-silico pathogenicity prediction programs like SIFT, Polyphen-2, MutationTaster2, CADD etc. are contradictory, however these predictions have not been confirmed by published functional studies.

Ambry Genetics
Classification: Uncertain significance for Inborn genetic diseases. Last evaluated: 2021-08-10. Review status: criteria provided, single submitter. Criteria: Ambry Variant Classification Scheme 2023. Collection method: clinical testing. Allele origin: germline.